The following is an entry in ClinVar:

ClinVar aggregate classification (germline): Uncertain significance. Review status: criteria provided, multiple submitters, no conflicts (2 of 4 stars). 3 submissions from 3 submitters: Uncertain significance (3). Last evaluated 2024-07-09.

Conditions:
Ehlers-Danlos syndrome, classic type, 1 (EDSCL1). Also called: Ehlers-Danlos Syndrome, Classic Type, COL5A1-Related; EDS I; EHLERS-DANLOS SYNDROME, GRAVIS TYPE; EHLERS-DANLOS SYNDROME, SEVERE CLASSIC TYPE; Ehlers-Danlos syndrome, type 1. Identifiers: MedGen C0268335, MONDO:0019567, OMIM 130000.

Allele frequency attached by ClinVar (database versions not stated): gnomAD exomes 0.00001.
gnomAD v4.1: 15 of 1,551,856 alleles (0.00097%); highest among the groups gnomAD compares: Non-Finnish European, 0.0011%; no homozygotes.

Submissions (3):

Blueprint Genetics
Classification: Uncertain significance. Last evaluated: 2024-07-09. Review status: criteria provided, single submitter. Criteria: ACMG Guidelines, 2015. Collection method: clinical testing. Allele origin: germline.

Labcorp Genetics (formerly Invitae), Labcorp
Classification: Uncertain significance for Ehlers-Danlos syndrome, classic type, 1. Last evaluated: 2023-04-01. Review status: criteria provided, single submitter. Criteria: Invitae Variant Classification Sherloc (09022015). Collection method: clinical testing. Allele origin: germline.
Comment: This variant has not been reported in the literature in individuals affected with COL5A1-related conditions. ClinVar contains an entry for this variant (Variation ID: 1224408). Advanced modeling of protein sequence and biophysical properties (such as structural, functional, and spatial information, amino acid conservation, physicochemical variation, residue mobility, and thermodynamic stability) performed at Invitae indicates that this missense variant is expected to disrupt COL5A1 protein function. This variant disrupts the triple helix domain of COL5A1. Glycine residues within the Gly-Xaa-Yaa repeats of the triple helix domain are required for the structure and stability of fibrillar collagens (PMID: 7695699, 8218237, 19344236), and variants at these glycine residues in COL5A1 are more frequently observed in individuals with disease than in the general population (PMID: 22696272, 23587214). However, the clinical significance of this observation remains uncertain since only a limited number of affected individuals have been described to date. In summary, the available evidence is currently insufficient to determine the role of this variant in disease. Therefore, it has been classified as a Variant of Uncertain Significance. This variant is not present in population databases (gnomAD no frequency). This sequence change replaces glycine, which is neutral and non-polar, with serine, which is neutral and polar, at codon 1318 of the COL5A1 protein (p.Gly1318Ser).

ARUP Laboratories, Molecular Genetics and Genomics, ARUP Laboratories
Classification: Uncertain significance. Last evaluated: 2022-04-04. Review status: criteria provided, single submitter. Criteria: ARUP Molecular Germline Variant Investigation Process 2021. Collection method: clinical testing. Allele origin: germline.
Comment: The COL5A1 c.3952G>A; p.Gly1318Ser variant, to our knowledge, is not described in the medical literature but is reported in ClinVar (Variation ID: 1224408). This variant is absent from the Genome Aggregation Database, indicating it is not a common polymorphism. The glycine at position 1318 is highly conserved and is located within a conserved Gly-X-Y repeat, and computational analyses predict that this variant is deleterious (REVEL: 0.984). Changes to glycine residues in Gly-X-Y motifs in triple helix domains disrupt helix formation and are predicted to be deleterious (Weerakkody 2016). However, due to limited information, the p.Gly1318Ser variant is uncertain at this time. REFERENCES Weerakkody RA et al. Targeted next-generation sequencing makes new molecular diagnoses and expands genotype-phenotype relationship in Ehlers-Danlos syndrome. Genet Med 18(11):1119-1127.

Literature cited by the submitters: PubMed 7695699 (cited by Labcorp Genetics (formerly Invitae), Labcorp); PubMed 8218237 (cited by Labcorp Genetics (formerly Invitae), Labcorp); PubMed 19344236 (cited by Labcorp Genetics (formerly Invitae), Labcorp); PubMed 22696272 (cited by Labcorp Genetics (formerly Invitae), Labcorp); PubMed 23587214 (cited by Labcorp Genetics (formerly Invitae), Labcorp).

NM_000093.5(COL5A1):c.3952G>A (p.Gly1318Ser)

Gene: COL5A1 (collagen type V alpha 1 chain; plus strand). Cytogenetic location: 9q34.3.
Variant type: single nucleotide variant.
Coding change: c.3952G>A on transcript NM_000093.5 (MANE Select); coding-DNA position 3952, G replaced by A.
Protein change: p.Gly1318Ser; replaces glycine 1318 with serine.
Molecular consequence: missense variant.
Genome position (GRCh38, 1-based): chr9:134,814,842, G>A. VCF-style: chr9-134814842-G-A. GRCh37 (hg19) VCF-style: chr9-137706688-G-A.
Other names: c.3952G>A, p.Gly1318Ser (NM_001278074.1); short protein forms G1318S.
Identifiers: ClinVar variation 1224408 (VCV001224408.10), dbSNP rs1838678972, ClinGen allele CA375456066.